The following is an entry in ClinVar:

ClinVar aggregate classification (germline): Conflicting classifications of pathogenicity. Review status: criteria provided, conflicting classifications (1 of 4 stars). 12 submissions from 9 submitters: Uncertain significance (4); Likely benign (7). 1 of the submissions does not count toward it. Last evaluated 2026-01-26.

Conditions:
CACNA1S-related disorder. Also called: CACNA1S-related condition.
Inborn genetic diseases. Identifiers: MedGen C0950123, MeSH D030342.
Congenital myopathy 18. Also called: Myopathy, congenital, due to dihydropyridine receptor defect; DIHYDROPYRIDINE RECEPTOR CONGENITAL MYOPATHY; DHPR CONGENITAL MYOPATHY. Identifiers: MedGen C5830283, MONDO:0859514, OMIM 620246.
Thyrotoxic periodic paralysis, susceptibility to, 1 (TTPP1). Identifiers: Orphanet 79102, MedGen C2749982, MONDO:0008570, OMIM 188580.
Hypokalemic periodic paralysis, type 1. Also called: HypoPP; Hypokalemic Periodic Paralysis Type 1 (AD). Identifiers: Orphanet 681, MedGen C3714580, MONDO:0042979, OMIM 170400.
Malignant hyperthermia, susceptibility to, 5 (MHS5). Also called: CACNA1S-Related Malignant Hyperthermia Susceptibility. Identifiers: Orphanet 423, MedGen C1866077, MONDO:0011163, OMIM 601887.

Allele frequency attached by ClinVar (database versions not stated): ESP Exome Variant Server 0.00008; gnomAD 0.00010; TOPMed 0.00024; ExAC 0.00026; 1000 Genomes Project 0.00040; 1000 Genomes Project 30x 0.00047.
gnomAD v4.1: 680 of 1,613,570 alleles (0.042%); highest among the groups gnomAD compares: Admixed American, 0.055%; no homozygotes.

Submissions (12):

Labcorp Genetics (formerly Invitae), Labcorp
Classification: Likely benign for Hypokalemic periodic paralysis, type 1; Malignant hyperthermia, susceptibility to, 5. Last evaluated: 2026-01-26. Review status: criteria provided, single submitter. Criteria: Invitae Variant Classification Sherloc (09022015). Collection method: clinical testing. Allele origin: germline.

CeGaT Center for Human Genetics Tuebingen
Classification: Uncertain significance. Last evaluated: 2025-07-01. Review status: criteria provided, single submitter. Criteria: CeGaT Center For Human Genetics Tuebingen Variant Classification Criteria Version 2. Collection method: clinical testing. Allele origin: germline. Affected: yes. Observed: 1 variant allele.
Comment: CACNA1S: PM2

GeneDx
Classification: Uncertain significance. Last evaluated: 2025-06-12. Review status: criteria provided, single submitter. Criteria: GeneDx Variant Classification Process June 2021. Collection method: clinical testing. Allele origin: germline.
Comment: Reported in a healthy individual in a cohort study analyzing genes implicated in metabolic pathways associated with anesthesia (PMID: 37021041); In silico analysis suggests that this missense variant does not alter protein structure/function; This variant is associated with the following publications: (PMID: 37021041)

Mayo Clinic Laboratories, Mayo Clinic
Classification: Uncertain significance. Last evaluated: 2024-09-17. Review status: criteria provided, single submitter. Criteria: ACMG Guidelines, 2015. Collection method: clinical testing. Allele origin: germline. Observed: 2 variant alleles.

Genome-Nilou Lab
Classification: Likely benign for Malignant hyperthermia, susceptibility to, 5. Last evaluated: 2023-04-11. Review status: criteria provided, single submitter. Criteria: ACMG Guidelines, 2015. Collection method: clinical testing. Allele origin: germline. Affected: no.

Genome-Nilou Lab
Classification: Likely benign for Thyrotoxic periodic paralysis, susceptibility to, 1. Last evaluated: 2023-04-11. Review status: criteria provided, single submitter. Criteria: ACMG Guidelines, 2015. Collection method: clinical testing. Allele origin: germline. Affected: no.

Genome-Nilou Lab
Classification: Likely benign for Congenital myopathy 18. Last evaluated: 2023-04-11. Review status: criteria provided, single submitter. Criteria: ACMG Guidelines, 2015. Collection method: clinical testing. Allele origin: germline. Affected: no.

Genome-Nilou Lab
Classification: Likely benign for Hypokalemic periodic paralysis, type 1. Last evaluated: 2023-04-11. Review status: criteria provided, single submitter. Criteria: ACMG Guidelines, 2015. Collection method: clinical testing. Allele origin: germline. Affected: no.

Color Diagnostics, LLC DBA Color Health
Classification: Likely benign for Malignant hyperthermia, susceptibility to, 5. Last evaluated: 2022-09-23. Review status: criteria provided, single submitter. Criteria: ACMG Guidelines, 2015. Collection method: clinical testing. Allele origin: germline.

Fulgent Genetics
Classification: Likely benign for Hypokalemic periodic paralysis, type 1; Thyrotoxic periodic paralysis, susceptibility to, 1; Malignant hyperthermia, susceptibility to, 5. Last evaluated: 2021-09-16. Review status: criteria provided, single submitter. Criteria: ACMG Guidelines, 2015. Collection method: clinical testing. Allele origin: unknown.

Ambry Genetics
Classification: Uncertain significance for Inborn genetic diseases. Last evaluated: 2021-08-02. Review status: criteria provided, single submitter. Criteria: Ambry Variant Classification Scheme 2023. Collection method: clinical testing. Allele origin: germline.

PreventionGenetics, part of Exact Sciences
Classification: Likely benign for CACNA1S-related condition. Last evaluated: 2022-08-29. Review status: no assertion criteria provided. Collection method: clinical testing. Allele origin: germline. Not counted in ClinVar's aggregate classification.
Comment: This variant is classified as likely benign based on ACMG/AMP sequence variant interpretation guidelines (Richards et al. 2015 PMID: 25741868, with internal and published modifications).

NM_000069.3(CACNA1S):c.4718C>T (p.Thr1573Met)

Gene: CACNA1S (calcium voltage-gated channel subunit alpha1 S; minus strand). Cytogenetic location: 1q32.1.
Variant type: single nucleotide variant.
Coding change: c.4718C>T on transcript NM_000069.3 (MANE Select); coding-DNA position 4718, C replaced by T.
Protein change: p.Thr1573Met; replaces threonine 1573 with methionine.
Molecular consequence: missense variant.
Genome position (GRCh38, 1-based): chr1:201,044,407, G>A on the plus strand (C>T on the coding strand, the complement: CACNA1S is on the minus strand). VCF-style: chr1-201044407-G-A. GRCh37 (hg19) VCF-style: chr1-201013535-G-A.
Other names: p.Thr1573Met; short protein forms T1573M.
Identifiers: ClinVar variation 541073 (VCV000541073.39), dbSNP rs183195890, ClinGen allele CA083555.
Genomic context (GRCh38, chr1:201,044,407, plus strand): 5'-ATCGCAGCCTCCACCATGGCTCTCTCCAGCTCCTCCTCAGCAGCCAGGTCTCCTGAGACC[G>A]TGCGACAGATCTCGGGGGCTGCCTCTTCCTCAATGGTCCGCAGCCCTGCCTGGGGATGAC-3'
Protein context (NP_000060.2, residues 1563-1583): EEEAAPEICR[Thr1573Met]VSGDLAAEEE